The following is an entry in ClinVar:

NM_002334.4(LRP4):c.1780G>A (p.Asp594Asn)

Gene: LRP4 (LDL receptor related protein 4; minus strand). Cytogenetic location: 11p11.2.
Variant type: single nucleotide variant.
Coding change: c.1780G>A on transcript NM_002334.4 (MANE Select); coding-DNA position 1780, G replaced by A.
Protein change: p.Asp594Asn; replaces aspartic acid 594 with asparagine.
Molecular consequence: missense variant.
Genome position (GRCh38, 1-based): chr11:46,890,412, C>T on the plus strand (G>A on the coding strand, the complement: LRP4 is on the minus strand). VCF-style: chr11-46890412-C-T. GRCh37 (hg19) VCF-style: chr11-46911963-C-T.
Other names: c.1780G>A (NM_002334.3); short protein forms D594N.
Identifiers: ClinVar variation 1418240 (VCV001418240.10), dbSNP rs779387728, ClinGen allele CA5970055.
Genomic context (GRCh38, chr11:46,890,412, plus strand): 5'-AGTACATACGGCGCCCGGCATAGTCGATGGTGAGGCCATTGGGCCAGAAGAGATGGGTAT[C>T]GGCAATGATGCGGCGTCCAGAGCCATCCATGCTGGAGGCCTCAATACGGGGGGTGTTGCC-3'
Protein context (NP_002325.2, residues 584-604): MDGSGRRIIA[Asp594Asn]THLFWPNGLT

ClinVar aggregate classification (germline): Uncertain significance. Review status: criteria provided, multiple submitters, no conflicts (2 of 4 stars). 3 submissions from 3 submitters: Uncertain significance (3). Last evaluated 2025-08-28.

Conditions:
Sclerosteosis 2 (SOST2). Identifiers: Orphanet 3152, MedGen C3280402, MONDO:0013679, OMIM 614305.
Cenani-Lenz syndactyly syndrome. Also called: CENANI SYNDACTYLISM; SYNDACTYLY, TYPE VII. Identifiers: Orphanet 3258, MedGen C1859309, MONDO:0008931, OMIM 212780.
Congenital myasthenic syndrome 17. Identifiers: Orphanet 590, MedGen C4225377, MONDO:0014578, OMIM 616304.
Inborn genetic diseases. Identifiers: MedGen C0950123, MeSH D030342.

Allele frequency attached by ClinVar (database versions not stated): gnomAD exomes below 0.00001; TOPMed below 0.00001; ExAC 0.00001; gnomAD 0.00001.
gnomAD v4.1: 4 of 1,613,984 alleles (0.00025%); highest among the groups gnomAD compares: Admixed American, 0.0017%; no homozygotes.

Submissions (3):

Ambry Genetics
Classification: Uncertain significance for Inborn genetic diseases. Last evaluated: 2025-08-28. Review status: criteria provided, single submitter. Criteria: Ambry Variant Classification Scheme 2023. Collection method: clinical testing. Allele origin: germline.

Revvity Omics, Revvity
Classification: Uncertain significance. Last evaluated: 2024-05-13. Review status: criteria provided, single submitter. Criteria: ACMG Guidelines, 2015. Collection method: clinical testing. Allele origin: germline.

Labcorp Genetics (formerly Invitae), Labcorp
Classification: Uncertain significance for Cenani-Lenz syndactyly syndrome; Sclerosteosis 2; Congenital myasthenic syndrome 17. Last evaluated: 2021-04-01. Review status: criteria provided, single submitter. Criteria: Invitae Variant Classification Sherloc (09022015). Collection method: clinical testing. Allele origin: germline.
Comment: This sequence change replaces aspartic acid with asparagine at codon 594 of the LRP4 protein (p.Asp594Asn). The aspartic acid residue is highly conserved and there is a small physicochemical difference between aspartic acid and asparagine. This variant is present in population databases (rs779387728, ExAC 0.002%). This variant has not been reported in the literature in individuals with LRP4-related conditions. Algorithms developed to predict the effect of missense changes on protein structure and function are either unavailable or do not agree on the potential impact of this missense change (SIFT: "Deleterious"; PolyPhen-2: "Benign"; Align-GVGD: "Class C15"). In summary, the available evidence is currently insufficient to determine the role of this variant in disease. Therefore, it has been classified as a Variant of Uncertain Significance.